The following is an entry in ClinVar:

ClinVar aggregate classification (germline): Uncertain significance (1 of 4 stars; one submission).

gnomAD v4.1: 2 of 1,613,708 alleles (0.00012%); no homozygotes.

Submission:

Labcorp Genetics (formerly Invitae), Labcorp
Classification: Uncertain significance. Last evaluated: 2025-07-16. Review status: criteria provided, single submitter. Criteria: Invitae Variant Classification Sherloc (09022015). Collection method: clinical testing. Allele origin: germline.
Comment: This sequence change replaces aspartic acid, which is acidic and polar, with valine, which is neutral and non-polar, at codon 768 of the MTHFD1 protein (p.Asp768Val). This variant is present in population databases (no rsID available, gnomAD 0.02%). This variant has not been reported in the literature in individuals affected with MTHFD1-related conditions. ClinVar contains an entry for this variant (Variation ID: 3611354). Invitae Evidence Modeling of protein sequence and biophysical properties (such as structural, functional, and spatial information, amino acid conservation, physicochemical variation, residue mobility, and thermodynamic stability) indicates that this missense variant is not expected to disrupt MTHFD1 protein function with a negative predictive value of 80%. In summary, the available evidence is currently insufficient to determine the role of this variant in disease. Therefore, it has been classified as a Variant of Uncertain Significance.

NM_005956.4(MTHFD1):c.2303A>T (p.Asp768Val)

Genes: MTHFD1 (methylenetetrahydrofolate dehydrogenase, cyclohydrolase and formyltetrahydrofolate synthetase 1; plus strand), ZBTB25 (zinc finger and BTB domain containing 25; minus strand). Cytogenetic location: 14q23.3.
Variant type: single nucleotide variant.
Coding change: c.2303A>T on transcript NM_005956.4 (MANE Select); coding-DNA position 2303, A replaced by T.
Protein change: p.Asp768Val; replaces aspartic acid 768 with valine.
Molecular consequence: missense variant. On other transcripts: 3 prime UTR variant (1).
Genome position (GRCh38, 1-based): chr14:64,449,468, A>T. VCF-style: chr14-64449468-A-T. GRCh37 (hg19) VCF-style: chr14-64916186-A-T.
Other names: c.2303A>T, p.Asp768Val (NM_001364837.1); c.*83T>A (NM_001304508.1); short protein forms D768V.
Identifiers: ClinVar variation 3611354 (VCV003611354.2).
Genomic context (GRCh38, chr14:64,449,468, plus strand): 5'-ATTTTCCATGCTTTGATATGAAATGCTTCCTTTATAGGACGGATACAGAGTCTGAGCTGG[A>T]CCTCATCAGCCGCCTTTCCAGAGAACATGGGGCTTTTGATGCCGTGAAGTGCACTCACTG-3'
Protein context (NP_005947.3, residues 758-778): AFKTDTESEL[Asp768Val]LISRLSREHG